The following is an entry in ClinVar:

ClinVar aggregate classification (germline): Likely benign. Review status: criteria provided, single submitter (1 of 4 stars). 2 submissions from 2 submitters: Likely benign (1). 1 of the submissions does not count toward it. Last evaluated 2024-07-30.

Conditions:
LAMC3-related disorder. Also called: LAMC3-related condition.

Allele frequency attached by ClinVar (database versions not stated): ExAC 0.00001; TOPMed 0.00001.

Submissions (2):

Labcorp Genetics (formerly Invitae), Labcorp
Classification: Likely benign. Last evaluated: 2024-07-30. Review status: criteria provided, single submitter. Criteria: Invitae Variant Classification Sherloc (09022015). Collection method: clinical testing. Allele origin: germline.

PreventionGenetics, part of Exact Sciences
Classification: Likely benign for LAMC3-related condition. Last evaluated: 2024-07-16. Review status: no assertion criteria provided. Collection method: clinical testing. Allele origin: germline. Not counted in ClinVar's aggregate classification.
Comment: This variant is classified as likely benign based on ACMG/AMP sequence variant interpretation guidelines (Richards et al. 2015 PMID: 25741868, with internal and published modifications).

NM_006059.4(LAMC3):c.1665G>A (p.Gly555=)

Genes: LAMC3 (laminin subunit gamma 3; plus strand), LOC126860777 (BRD4-independent group 4 enhancer GRCh37_chr9:133927058-133928257; plus strand). Cytogenetic location: 9q34.12.
Variant type: single nucleotide variant.
Coding change: c.1665G>A on transcript NM_006059.4 (MANE Select); coding-DNA position 1665, G replaced by A.
Protein change: p.Gly555=; no amino-acid change (glycine 555 retained).
Molecular consequence: synonymous variant.
Genome position (GRCh38, 1-based): chr9:131,052,525, G>A. VCF-style: chr9-131052525-G-A. GRCh37 (hg19) VCF-style: chr9-133927912-G-A.
Other names: c.1665G>A (NM_006059.3).
Identifiers: ClinVar variation 2185864 (VCV002185864.5), dbSNP rs763891300, ClinGen allele CA5287161.